The following is an entry in ClinVar:

ClinVar aggregate classification (germline): Uncertain significance. Review status: criteria provided, multiple submitters, no conflicts (2 of 4 stars). 2 submissions from 2 submitters: Uncertain significance (2). Last evaluated 2025-10-14.

Conditions:
Hereditary cancer-predisposing syndrome. Also called: Neoplastic Syndromes, Hereditary; Tumor predisposition; Hereditary Cancer Syndrome; Hereditary neoplastic syndrome. Identifiers: Orphanet 140162, MedGen C0027672, MeSH D009386, MONDO:0015356.
Gastrointestinal stromal tumor. Also called: Gastrointestinal stromal tumor, somatic; Gastrointestinal stroma tumor. Identifiers: Orphanet 44890, MedGen C0238198, MeSH D046152, MONDO:0011719, OMIM 606764, HP:0100723.

Submissions (2):

Ambry Genetics
Classification: Uncertain significance for Hereditary cancer-predisposing syndrome. Last evaluated: 2025-10-14. Review status: criteria provided, single submitter. Criteria: Ambry Variant Classification Scheme 2023. Collection method: clinical testing. Allele origin: germline.
Comment: The p.F340I variant (also known as c.1018T>A), located in coding exon 6 of the KIT gene, results from a T to A substitution at nucleotide position 1018. The phenylalanine at codon 340 is replaced by isoleucine, an amino acid with highly similar properties. This amino acid position is conserved. In addition, this alteration is predicted to be tolerated by in silico analysis. Based on the available evidence, the clinical significance of this variant remains unclear.

Labcorp Genetics (formerly Invitae), Labcorp
Classification: Uncertain significance for Gastrointestinal stromal tumor. Last evaluated: 2025-01-11. Review status: criteria provided, single submitter. Criteria: Invitae Variant Classification Sherloc (09022015). Collection method: clinical testing. Allele origin: germline.
Comment: This sequence change replaces phenylalanine, which is neutral and non-polar, with isoleucine, which is neutral and non-polar, at codon 340 of the KIT protein (p.Phe340Ile). This variant is not present in population databases (gnomAD no frequency). This variant has not been reported in the literature in individuals affected with KIT-related conditions. An algorithm developed to predict the effect of missense changes on protein structure and function (PolyPhen-2) suggests that this variant is likely to be tolerated. In summary, the available evidence is currently insufficient to determine the role of this variant in disease. Therefore, it has been classified as a Variant of Uncertain Significance.

NM_000222.3(KIT):c.1018T>A (p.Phe340Ile)

Gene: KIT (KIT proto-oncogene, receptor tyrosine kinase; plus strand). Cytogenetic location: 4q12.
Variant type: single nucleotide variant.
Coding change: c.1018T>A on transcript NM_000222.3 (MANE Select); coding-DNA position 1018, T replaced by A.
Protein change: p.Phe340Ile; replaces phenylalanine 340 with isoleucine.
Molecular consequence: missense variant.
Genome position (GRCh38, 1-based): chr4:54,707,190, T>A. VCF-style: chr4-54707190-T-A. GRCh37 (hg19) VCF-style: chr4-55573356-T-A.
Other names: c.1021T>A, p.Phe341Ile (NM_001385290.1, NM_001385292.1, NM_001385284.1 and 1 more transcripts); c.1018T>A, p.Phe340Ile (NM_001093772.2, NM_001385285.1, NM_001385286.1); short protein forms F340I, F341I.
Identifiers: ClinVar variation 3700061 (VCV003700061.2).